The following is an entry in ClinVar:

NM_014254.3(RXYLT1):c.1108G>A (p.Gly370Ser)

Genes: RXYLT1 (ribitol xylosyltransferase 1; plus strand), RXYLT1-AS1 (RXYLT1 antisense RNA 1; minus strand). Cytogenetic location: 12q14.2.
Variant type: single nucleotide variant.
Coding change: c.1108G>A on transcript NM_014254.3 (MANE Select); coding-DNA position 1108, G replaced by A.
Protein change: p.Gly370Ser; replaces glycine 370 with serine.
Molecular consequence: missense variant. On other transcripts: non-coding transcript variant (1).
Genome position (GRCh38, 1-based): chr12:63,808,868, G>A. VCF-style: chr12-63808868-G-A. GRCh37 (hg19) VCF-style: chr12-64202648-G-A.
Other names: c.328G>A, p.Gly110Ser (NM_001278237.2); c.1108G>A (NM_014254.1); short protein forms G110S, G370S.
Identifiers: ClinVar variation 1491595 (VCV001491595.7), dbSNP rs768418644, ClinGen allele CA6666246.

ClinVar aggregate classification (germline): Conflicting classifications of pathogenicity. Review status: criteria provided, conflicting classifications (1 of 4 stars). 2 submissions from 2 submitters: Uncertain significance (1); Likely benign (1). Last evaluated 2025-08-19.

Conditions:
Inborn genetic diseases. Identifiers: MedGen C0950123, MeSH D030342.

Allele frequency attached by ClinVar (database versions not stated): ExAC 0.00001; gnomAD 0.00001.
gnomAD v4.1: 16 of 1,613,948 alleles (0.00099%); highest among the groups gnomAD compares: African/African-American, 0.0013%; no homozygotes.

Submissions (2):

Ambry Genetics
Classification: Likely benign for Inborn genetic diseases. Last evaluated: 2025-08-19. Review status: criteria provided, single submitter. Criteria: Ambry Variant Classification Scheme 2023. Collection method: clinical testing. Allele origin: germline.

Labcorp Genetics (formerly Invitae), Labcorp
Classification: Uncertain significance. Last evaluated: 2022-08-20. Review status: criteria provided, single submitter. Criteria: Invitae Variant Classification Sherloc (09022015). Collection method: clinical testing. Allele origin: germline.
Comment: In summary, the available evidence is currently insufficient to determine the role of this variant in disease. Therefore, it has been classified as a Variant of Uncertain Significance. Algorithms developed to predict the effect of sequence changes on RNA splicing suggest that this variant may create or strengthen a splice site. Algorithms developed to predict the effect of missense changes on protein structure and function output the following: SIFT: "Tolerated"; PolyPhen-2: "Benign"; Align-GVGD: "Class C0". The serine amino acid residue is found in multiple mammalian species, which suggests that this missense change does not adversely affect protein function. ClinVar contains an entry for this variant (Variation ID: 1491595). This variant has not been reported in the literature in individuals affected with RXYLT1-related conditions. This variant is present in population databases (rs768418644, gnomAD 0.002%). This sequence change replaces glycine, which is neutral and non-polar, with serine, which is neutral and polar, at codon 370 of the RXYLT1 protein (p.Gly370Ser).